The following is an entry in ClinVar:

ClinVar aggregate classification (germline): Benign. Review status: criteria provided, multiple submitters, no conflicts (2 of 4 stars). 2 submissions from 2 submitters: Benign (2). Last evaluated 2018-01-13.

Conditions:
Stuve-Wiedemann syndrome (STWS). Also called: Stüve-Wiedemann syndrome. Identifiers: Orphanet 3206, MedGen C0796176, MONDO:0031280.

Allele frequency attached by ClinVar (database versions not stated): gnomAD exomes 0.62929; gnomAD 0.69910 and 0.70336; TOPMed 0.71501; 1000 Genomes Project 0.72903.
gnomAD v4.1: 229,360 of 347,680 alleles (66%); highest among the groups gnomAD compares: African/African-American, 87%; 77,778 homozygotes.

Submissions (4):

Illumina Laboratory Services, Illumina
Classification: Benign for Stüve-Wiedemann syndrome 1. Last evaluated: 2018-01-13. Review status: criteria provided, single submitter. Criteria: ICSL Variant Classification Criteria 13 December 2019. Collection method: clinical testing. Allele origin: germline.
Comment: This variant was observed in the ICSL laboratory as part of a predisposition screen in an ostensibly healthy population. It had not been previously curated by ICSL or reported in the Human Gene Mutation Database (HGMD: prior to June 1st, 2018), and was therefore a candidate for classification through an automated scoring system. Utilizing variant allele frequency, disease prevalence and penetrance estimates, and inheritance mode, an automated score was calculated to assess if this variant is too frequent to cause the disease. Based on the score and internal cut-off values, a variant classified as benign is not then subjected to further curation. The score for this variant resulted in a classification of benign for this disease.

Breakthrough Genomics
Classification: Benign. Review status: criteria provided, single submitter. Criteria: ACMG Guidelines, 2015. Collection method: not provided. Allele origin: germline. Inheritance: Autosomal recessive inheritance. Affected: yes.

Dr. Peter K. Rogan Lab, Western University
No classification provided (evidence only). Condition: Lung cancer. Review status: no classification provided. Collection method: in vitro. Allele origin: not applicable. Functional consequence: retained intron. Not counted in ClinVar's aggregate classification.

Dr. Peter K. Rogan Lab, Western University
No classification provided (evidence only). Condition: Gastric cancer. Review status: no classification provided. Collection method: in vitro. Allele origin: not applicable. Functional consequence: retained intron. Not counted in ClinVar's aggregate classification.

NM_001127671.2(LIFR):c.*362G>A

Gene: LIFR (LIF receptor subunit alpha; minus strand). Cytogenetic location: 5p13.1.
Variant type: single nucleotide variant.
Coding change: c.*362G>A on transcript NM_001127671.2 (MANE Select); 362 bases downstream of the stop codon, G replaced by A.
Molecular consequence: 3 prime UTR variant.
Genome position (GRCh38, 1-based): chr5:38,481,233, C>T on the plus strand (G>A on the coding strand, the complement: LIFR is on the minus strand). VCF-style: chr5-38481233-C-T. GRCh37 (hg19) VCF-style: chr5-38481335-C-T.
Other names: NC_000005.9:g.38481335C>T; c.*362G>A (NM_001364297.2, NM_001364298.2, NM_002310.6).
Identifiers: ClinVar variation 353602 (VCV000353602.7), dbSNP rs1005017, ClinGen allele CA10620436.